The following is an entry in ClinVar:

ClinVar aggregate classification (germline): Benign/Likely benign. Review status: criteria provided, multiple submitters, no conflicts (2 of 4 stars). 5 submissions from 5 submitters: Benign (1); Likely benign (4). Last evaluated 2026-01-13.

Conditions:
Hereditary cancer-predisposing syndrome. Also called: Neoplastic Syndromes, Hereditary; Tumor predisposition; Hereditary Cancer Syndrome; Hereditary neoplastic syndrome. Identifiers: Orphanet 140162, MedGen C0027672, MeSH D009386, MONDO:0015356.
Familial cancer of breast. Also called: BREAST CANCER, FAMILIAL; hereditary breast carcinoma; Hereditary breast cancer. Identifiers: Orphanet 227535, MedGen C0346153, MONDO:0016419, OMIM 114480. Disease mechanism: loss of function.

Allele frequency attached by ClinVar (database versions not stated): gnomAD exomes below 0.00001; gnomAD 0.00001; TOPMed 0.00001.
gnomAD v4.1: 3 of 1,614,094 alleles (0.00019%); highest among the groups gnomAD compares: East Asian, 0.0022%; no homozygotes.

Submissions (5):

Labcorp Genetics (formerly Invitae), Labcorp
Classification: Likely benign for Familial cancer of breast. Last evaluated: 2026-01-13. Review status: criteria provided, single submitter. Criteria: Invitae Variant Classification Sherloc (09022015). Collection method: clinical testing. Allele origin: germline.

Center for Genomic Medicine, Rigshospitalet, Copenhagen University Hospital
Classification: Likely benign. Last evaluated: 2025-03-04. Review status: criteria provided, single submitter. Criteria: ACMG Guidelines, 2015. Collection method: clinical testing. Allele origin: germline.

Myriad Genetics, Inc.
Classification: Benign for Familial cancer of breast. Last evaluated: 2024-07-30. Review status: criteria provided, single submitter. Criteria: Myriad Autosomal Dominant, Autosomal Recessive and X-Linked Classification Criteria (2023). Collection method: clinical testing. Allele origin: unknown.
Comment: This variant is considered benign. This variant is a silent/synonymous amino acid change and it is not expected to impact splicing.

Color Diagnostics, LLC DBA Color Health
Classification: Likely benign for Hereditary cancer-predisposing syndrome. Last evaluated: 2018-05-10. Review status: criteria provided, single submitter. Criteria: ACMG Guidelines, 2015. Collection method: clinical testing. Allele origin: germline.

Ambry Genetics
Classification: Likely benign for Hereditary cancer-predisposing syndrome. Last evaluated: 2017-11-06. Review status: criteria provided, single submitter. Criteria: Ambry Variant Classification Scheme 2023. Collection method: clinical testing. Allele origin: germline.

NM_000465.4(BARD1):c.2262A>G (p.Lys754=)

Gene: BARD1 (BRCA1 associated RING domain 1; minus strand). Cytogenetic location: 2q35.
Variant type: single nucleotide variant.
Coding change: c.2262A>G on transcript NM_000465.4 (MANE Select); coding-DNA position 2262, A replaced by G.
Protein change: p.Lys754=; no amino-acid change (lysine 754 retained).
Molecular consequence: synonymous variant. On other transcripts: non-coding transcript variant (3).
Genome position (GRCh38, 1-based): chr2:214,728,748, T>C on the plus strand (A>G on the coding strand, the complement: BARD1 is on the minus strand). VCF-style: chr2-214728748-T-C. GRCh37 (hg19) VCF-style: chr2-215593472-T-C.
Other names: c.2205A>G, p.Lys735= (NM_001282543.2); c.909A>G, p.Lys303= (NM_001282545.2); c.852A>G, p.Lys284= (NM_001282548.2); c.723A>G, p.Lys241= (NM_001282549.2).
Identifiers: ClinVar variation 460741 (VCV000460741.18), dbSNP rs1446285640, ClinGen allele CA431392610.
Genomic context (GRCh38, chr2:214,728,748, plus strand): 5'-AGGAAGCAACTCAAAGGACATCACACAGTCTATAAACCAGCTCGAAGGAGCCTTCCAGAC[T>C]TTGCCCTGCCGAACCCTCTCTGGGTGATAATTACACAAATCTTCATAGATGATATACTGT-3'
Protein context (NP_000456.2, residues 744-764): NYHPERVRQG[Lys754=]VWKAPSSWFI